The following is an entry in ClinVar:

NM_001374828.1(ARID1B):c.4310C>G (p.Pro1437Arg)

Gene: ARID1B (AT-rich interaction domain 1B; plus strand). Cytogenetic location: 6q25.3.
Variant type: single nucleotide variant.
Coding change: c.4310C>G on transcript NM_001374828.1 (MANE Select); coding-DNA position 4310, C replaced by G.
Protein change: p.Pro1437Arg; replaces proline 1437 with arginine.
Molecular consequence: missense variant.
Genome position (GRCh38, 1-based): chr6:157,196,243, C>G. VCF-style: chr6-157196243-C-G. GRCh37 (hg19) VCF-style: chr6-157517377-C-G.
Other names: c.4061C>G, p.Pro1354Arg (NM_001346813.1); c.1811C>G, p.Pro604Arg (NM_001363725.2); c.4190C>G, p.Pro1397Arg (NM_001371656.1, NM_001374820.1); c.4151C>G, p.Pro1384Arg (NM_017519.3); c.3941C>G, p.Pro1314Arg (NM_020732.3); c.3728C>G, p.Pro1243Arg (NM_175863.2); short protein forms P1243R, P1314R, P1354R, P1384R, P1397R, P1437R, P604R.
Identifiers: ClinVar variation 2505947 (VCV002505947.1), dbSNP rs2128356799, ClinGen allele CA366238430.

ClinVar aggregate classification (germline): Uncertain significance (1 of 4 stars; one submission).

Submission:

GeneDx
Classification: Uncertain significance. Last evaluated: 2022-12-13. Review status: criteria provided, single submitter. Criteria: GeneDx Variant Classification Process June 2021. Collection method: clinical testing. Allele origin: germline. Affected: yes.
Comment: In silico analysis supports that this missense variant has a deleterious effect on protein structure/function; Not observed at significant frequency in large population cohorts (gnomAD); Has not been previously published as pathogenic or benign to our knowledge